The following is an entry in ClinVar:

ClinVar aggregate classification (germline): Benign/Likely benign. Review status: criteria provided, multiple submitters, no conflicts (2 of 4 stars). 4 submissions from 4 submitters: Benign (2); Likely benign (2). Last evaluated 2026-05-01.

Submissions (4):

CeGaT Center for Human Genetics Tuebingen
Classification: Likely benign. Last evaluated: 2026-05-01. Review status: criteria provided, single submitter. Criteria: CeGaT Center For Human Genetics Tuebingen Variant Classification Criteria Version 2. Collection method: clinical testing. Allele origin: germline. Affected: yes. Observed: 6 variant alleles.
Comment: NLRP1: BS1

Labcorp Genetics (formerly Invitae), Labcorp
Classification: Benign. Last evaluated: 2026-02-04. Review status: criteria provided, single submitter. Criteria: Invitae Variant Classification Sherloc (09022015). Collection method: clinical testing. Allele origin: germline.

Women's Health and Genetics/Laboratory Corporation of America, LabCorp
Classification: Likely benign. Last evaluated: 2026-01-22. Review status: criteria provided, single submitter. Criteria: LabCorp Variant Classification Summary - May 2015. Collection method: clinical testing. Allele origin: germline.
Comment: Variant summary: NLRP1 c.3550_3551delinsGC (p.Met1184Ala) results in a non-conservative amino acid change in the encoded protein sequence. Algorithms developed to predict the effect of missense changes on protein structure and function are either unavailable or do not agree on the potential impact of this missense change. The variant allele was found at a frequency of 0.035 in 281722 control chromosomes, predominantly at a frequency of 0.25 within the Latino subpopulation in the gnomAD database, including 1249 homozygotes. The observed variant frequency within Latino control individuals in the gnomAD database exceeds the estimated maximal expected allele frequency for disease-causing variants in NLRP1. To our knowledge, no occurrence of c.3550_3551delinsGC in individuals affected with NLRP1-related conditions and no experimental evidence demonstrating its impact on protein function have been reported. ClinVar contains an entry for this variant (Variation ID: 1166473). Based on the evidence outlined above, the variant was classified as likely benign.

Unidad de Genómica Garrahan, Hospital de Pediatría Garrahan
Classification: Benign. Last evaluated: 2023-11-12. Review status: criteria provided, single submitter. Criteria: ACMG Guidelines, 2015. Collection method: clinical testing. Allele origin: germline. Affected: no. Observed: 21 variant alleles.
Comment: This variant is classified as Benign based on local population frequency. This variant was detected in 22% of patients studied by a panel of primary immunodeficiencies. Number of patients: 21. Only high quality variants are reported.

NM_033004.4(NLRP1):c.3550_3551delinsGC (p.Met1184Ala)

Gene: NLRP1 (NLR family pyrin domain containing 1; minus strand). Cytogenetic location: 17p13.2.
Variant type: Indel.
Coding change: c.3550_3551delinsGC on transcript NM_033004.4 (MANE Select); coding-DNA positions 3550 to 3551, AT replaced by GC.
Protein change: p.Met1184Ala; replaces methionine 1184 with alanine.
Molecular consequence: missense variant.
Genome position (GRCh38, 1-based): chr17:5,521,756-5,521,757, AT replaced by GC on the plus strand (AT replaced by GC on the coding strand, the reverse complement: NLRP1 is on the minus strand). VCF-style: chr17-5521756-AT-GC. GRCh37 (hg19) VCF-style: chr17-5425076-AT-GC.
Other names: c.3460_3461delinsGC, p.Met1154Ala (NM_033006.4, NM_033007.4); c.3562_3563delinsGC, p.Met1188Ala (NM_001033053.3); c.3550_3551delinsGC, p.Met1184Ala (NM_014922.5); short protein forms M1154A, M1184A, M1188A.
Identifiers: ClinVar variation 1166473 (VCV001166473.16), dbSNP rs2151743088, ClinGen allele CA2499224743.
Genomic context (GRCh38, chr17:5,521,756, plus strand): 5'-TGATGCAGCTCCACCCTGGCTGGCTTCTCCAGGAGCATCCCCTCCTCTTTAAAGTGGGCC[AT>GC]TTGGAACAGGGATGTGTCCACATGGCCCCCTGTAAAAGAATGGATTGAAGAGGCACAGGT-3'
Protein context (NP_127497.1, residues 1174-1194): GGHVDTSLFQ[Met1184Ala]AHFKEEGMLL